The following is an entry in ClinVar:

NM_004360.5(CDH1):c.48+4C>T

Gene: CDH1 (cadherin 1; plus strand). Cytogenetic location: 16q22.1.
Variant type: single nucleotide variant.
Coding change: c.48+4C>T on transcript NM_004360.5 (MANE Select); 4 bases into the intron after coding-DNA position 48, C replaced by T.
Molecular consequence: intron variant.
Genome position (GRCh38, 1-based): chr16:68,737,467, C>T. VCF-style: chr16-68737467-C-T. GRCh37 (hg19) VCF-style: chr16-68771370-C-T.
Other names: c.-1568+4C>T (NM_001317185.2); c.-1772+4C>T (NM_001317186.2); c.48+4C>T (NM_001317184.2, NM_004360.4).
Identifiers: ClinVar variation 1743193 (VCV001743193.4), dbSNP rs774427094, ClinGen allele CA8129780.
Genomic context (GRCh38, chr16:68,737,467, plus strand): 5'-CGGCCAGCCATGGGCCCTTGGAGCCGCAGCCTCTCGGCGCTGCTGCTGCTGCTGCAGGTA[C>T]CCCGGATCCCCTGACTTGCGAGGGACGCATTCGGGCCGCAAGCTCCGCGCCCCAGCCCTG-3'

ClinVar aggregate classification (germline): Likely benign. Review status: criteria provided, single submitter (1 of 4 stars). 2 submissions from 2 submitters: Likely benign (1). 1 of the submissions does not count toward it. Last evaluated 2023-04-06.

Conditions:
Hereditary cancer-predisposing syndrome. Also called: Hereditary Cancer Syndrome; Neoplastic Syndromes, Hereditary; Tumor predisposition; Hereditary neoplastic syndrome. Identifiers: Orphanet 140162, MedGen C0027672, MeSH D009386, MONDO:0015356.
CDH1-related disorder. Also called: CDH1-related condition.

Submissions (2):

Ambry Genetics
Classification: Likely benign for Hereditary cancer-predisposing syndrome. Last evaluated: 2023-04-06. Review status: criteria provided, single submitter. Criteria: Ambry Variant Classification Scheme 2023. Collection method: clinical testing. Allele origin: germline.

PreventionGenetics, part of Exact Sciences
Classification: Likely benign for CDH1-related condition. Last evaluated: 2024-06-12. Review status: no assertion criteria provided. Collection method: clinical testing. Allele origin: germline. Not counted in ClinVar's aggregate classification.
Comment: This variant is classified as likely benign based on ACMG/AMP sequence variant interpretation guidelines (Richards et al. 2015 PMID: 25741868, with internal and published modifications).